The following is an entry in ClinVar:

ClinVar aggregate classification (germline): Uncertain significance (1 of 4 stars; one submission).

Conditions:
Developmental delay, impaired speech, and behavioral abnormalities, with or without seizures (DEDISB). Identifiers: MedGen C5575272, MONDO:0859263, OMIM 619964.

Submission:

Laboratorio de Genetica e Diagnostico Molecular, Hospital Israelita Albert Einstein
Classification: Uncertain significance for Developmental delay, impaired speech, and behavioral abnormalities, with or without seizures. Last evaluated: 2024-08-13. Review status: criteria provided, single submitter. Criteria: ACMG Guidelines, 2015. Collection method: clinical testing. Allele origin: germline. Affected: yes.
Comment: ACMG classification criteria: PM2 supporting, PP2 supporting, PP3 supporting

NM_006421.5(ARFGEF1):c.3050A>T (p.Glu1017Val)

Gene: ARFGEF1 (ARF guanine nucleotide exchange factor 1; minus strand). Cytogenetic location: 8q13.2.
Variant type: single nucleotide variant.
Coding change: c.3050A>T on transcript NM_006421.5 (MANE Select); coding-DNA position 3050, A replaced by T.
Protein change: p.Glu1017Val; replaces glutamic acid 1017 with valine.
Molecular consequence: missense variant. On other transcripts: non-coding transcript variant (1).
Genome position (GRCh38, 1-based): chr8:67,238,823, T>A on the plus strand (A>T on the coding strand, the complement: ARFGEF1 is on the minus strand). VCF-style: chr8-67238823-T-A. GRCh37 (hg19) VCF-style: chr8-68151058-T-A.
Other names: c.3050A>T, p.Glu1017Val (NM_001413184.1, NM_001413185.1, NM_001413186.1 and 6 more transcripts); c.2450A>T, p.Glu817Val (NM_001413188.1, NM_001413193.1, NM_001413197.1); c.3044A>T, p.Glu1015Val (NM_001413190.1); c.1625A>T, p.Glu542Val (NM_001413196.1); short protein forms E1015V, E1017V, E542V, E817V.
Identifiers: ClinVar variation 3901061 (VCV003901061.1).